The following is an entry in ClinVar:

NM_002361.4(MAG):c.1520-3_1520-2del

Gene: MAG (myelin associated glycoprotein; plus strand). Cytogenetic location: 19q13.12.
Variant type: Deletion.
Coding change: c.1520-3_1520-2del on transcript NM_002361.4 (MANE Select); 3 bases into the intron before coding-DNA position 1520 through the canonical splice acceptor site of the intron before coding-DNA position 1520, 2 bases deleted (CA; older notation c.1520-3_1520-2delCA).
Molecular consequence: splice acceptor variant.
Genome position (GRCh38, 1-based): chr19:35,310,544-35,310,545, CA deleted. VCF-style (leftmost placement, unchanged base first): chr19-35310543-TCA-T. GRCh37 (hg19) VCF-style: chr19-35801446-TCA-T.
Other names: c.1520-3_1520-2del (NM_080600.3); c.1445-3_1445-2del (NM_001199216.2).
Identifiers: ClinVar variation 2857234 (VCV002857234.3), dbSNP rs2513601109, ClinGen allele CA2739276653.
Genomic context (GRCh38, chr19:35,310,543, plus strand): 5'-AGTTCTCAGGTGTCGTCACCACCACCCATAGCCCTAAGGGCGCCTGGGTCTTTTCTGTCC[TCA>T]GATCGACTGATGTGGGCCAAGATCGGGCCTGTGGGCGCCGTGGTCGCCTTTGCCATCCTG-3'

ClinVar aggregate classification (germline): Likely pathogenic (1 of 4 stars; one submission).

Conditions:
Hereditary spastic paraplegia 75. Also called: Spastic paraplegia 75, autosomal recessive. Identifiers: Orphanet 459056, MedGen C4225250, MONDO:0014729, OMIM 616680.

Submission:

Labcorp Genetics (formerly Invitae), Labcorp
Classification: Likely pathogenic for Hereditary spastic paraplegia 75. Last evaluated: 2025-03-17. Review status: criteria provided, single submitter. Criteria: Invitae Variant Classification Sherloc (09022015). Collection method: clinical testing. Allele origin: germline.
Comment: This sequence change affects a splice site in intron 8 of the MAG gene. It is expected to disrupt RNA splicing. Variants that disrupt the donor or acceptor splice site typically lead to a loss of protein function (PMID: 16199547), and loss-of-function variants in MAG are known to be pathogenic (PMID: 32629324). This variant is not present in population databases (gnomAD no frequency). Disruption of this splice site has been observed in individual(s) with clinical features of hereditary spastic paraplegia (internal data). ClinVar contains an entry for this variant (Variation ID: 2857234). Algorithms developed to predict the effect of sequence changes on RNA splicing suggest that this variant may disrupt the consensus splice site. In summary, the currently available evidence indicates that the variant is pathogenic, but additional data are needed to prove that conclusively. Therefore, this variant has been classified as Likely Pathogenic.

Literature cited by the submitters: PubMed 16199547; PubMed 32629324.